The following is an entry in ClinVar:

ClinVar aggregate classification (germline): Likely benign. Review status: criteria provided, single submitter (1 of 4 stars). 2 submissions from 2 submitters: Likely benign (1). 1 of the submissions does not count toward it. Last evaluated 2025-10-02.

Conditions:
PIK3R2-related disorder. Also called: PIK3R2-related condition.
Inborn genetic diseases. Identifiers: MedGen C0950123, MeSH D030342.

Allele frequency attached by ClinVar (database versions not stated): gnomAD exomes 0.00003; TOPMed 0.00002; gnomAD 0.00004.

Submissions (2):

Ambry Genetics
Classification: Likely benign for Inborn genetic diseases. Last evaluated: 2025-10-02. Review status: criteria provided, single submitter. Criteria: Ambry Variant Classification Scheme 2023. Collection method: clinical testing. Allele origin: germline.

PreventionGenetics, part of Exact Sciences
Classification: Likely benign for PIK3R2-related condition. Last evaluated: 2023-09-05. Review status: no assertion criteria provided. Collection method: clinical testing. Allele origin: germline. Not counted in ClinVar's aggregate classification.
Comment: This variant is classified as likely benign based on ACMG/AMP sequence variant interpretation guidelines (Richards et al. 2015 PMID: 25741868, with internal and published modifications).

NM_005027.4(PIK3R2):c.716T>C (p.Leu239Pro)

Genes: PIK3R2 (phosphoinositide-3-kinase regulatory subunit 2; plus strand), LOC130063979 (ATAC-STARR-seq lymphoblastoid silent region 10375; plus strand). Cytogenetic location: 19p13.11.
Variant type: single nucleotide variant.
Coding change: c.716T>C on transcript NM_005027.4 (MANE Select); coding-DNA position 716, T replaced by C.
Protein change: p.Leu239Pro; replaces leucine 239 with proline.
Molecular consequence: missense variant. On other transcripts: non-coding transcript variant (1).
Genome position (GRCh38, 1-based): chr19:18,161,396, T>C. VCF-style: chr19-18161396-T-C. GRCh37 (hg19) VCF-style: chr19-18272206-T-C.
Other names: c.716T>C (NM_005027.2); short protein forms L239P.
Identifiers: ClinVar variation 3049084 (VCV003049084.3), dbSNP rs764152672, ClinGen allele CA9306810.